The following is an entry in ClinVar:

ClinVar aggregate classification (germline): Likely benign. Review status: criteria provided, single submitter (1 of 4 stars). 2 submissions from 2 submitters: Likely benign (1). 1 of the submissions does not count toward it. Last evaluated 2025-11-25.

Conditions:
ATR-related disorder. Also called: ATR-related condition.

gnomAD v4.1: 13 of 1,613,836 alleles (0.00081%); highest among the groups gnomAD compares: Middle Eastern, 0.21%; no homozygotes.

Submissions (2):

Labcorp Genetics (formerly Invitae), Labcorp
Classification: Likely benign. Last evaluated: 2025-11-25. Review status: criteria provided, single submitter. Criteria: Invitae Variant Classification Sherloc (09022015). Collection method: clinical testing. Allele origin: germline.

PreventionGenetics, part of Exact Sciences
Classification: Likely benign for ATR-related condition. Last evaluated: 2019-03-21. Review status: no assertion criteria provided. Collection method: clinical testing. Allele origin: germline. Not counted in ClinVar's aggregate classification.
Comment: This variant is classified as likely benign based on ACMG/AMP sequence variant interpretation guidelines (Richards et al. 2015 PMID: 25741868, with internal and published modifications).

NM_001184.4(ATR):c.5955T>C (p.Pro1985=)

Gene: ATR (ATR checkpoint kinase; minus strand). Cytogenetic location: 3q23.
Variant type: single nucleotide variant.
Coding change: c.5955T>C on transcript NM_001184.4 (MANE Select); coding-DNA position 5955, T replaced by C.
Protein change: p.Pro1985=; no amino-acid change (proline 1985 retained).
Molecular consequence: synonymous variant.
Genome position (GRCh38, 1-based): chr3:142,493,255, A>G on the plus strand (T>C on the coding strand, the complement: ATR is on the minus strand). VCF-style: chr3-142493255-A-G. GRCh37 (hg19) VCF-style: chr3-142212097-A-G.
Other names: c.5763T>C, p.Pro1921= (NM_001354579.2).
Identifiers: ClinVar variation 3352974 (VCV003352974.3).
Genomic context (GRCh38, chr3:142,493,255, plus strand): 5'-TAGTAGCATAGCTCGACCATGGATTAACATGTTCTTACCCTCAGGTGGGGTTTCATTTTC[A>G]GGAAAACATAATTCAACACCTTTTTGAAGAACAATTAGTGCCTGGTGAACATCACCCTAA-3'
Protein context (NP_001175.2, residues 1975-1995): VLQKGVELCF[Pro1985=]ENETPPEGKN